The following is an entry in ClinVar:

ClinVar aggregate classification (germline): Pathogenic (1 of 4 stars; one submission).

Submission:

CeGaT Center for Human Genetics Tuebingen
Classification: Pathogenic. Last evaluated: 2022-07-01. Review status: criteria provided, single submitter. Criteria: CeGaT Center For Human Genetics Tuebingen Variant Classification Criteria Version 2. Collection method: clinical testing. Allele origin: germline. Affected: yes. Observed: 1 variant allele.
Comment: ZNFX1: PVS1, PM2

NM_021035.3(ZNFX1):c.2793G>A (p.Trp931Ter)

Gene: ZNFX1 (zinc finger NFX1-type containing 1; minus strand). Cytogenetic location: 20q13.13.
Variant type: single nucleotide variant.
Coding change: c.2793G>A on transcript NM_021035.3 (MANE Select); coding-DNA position 2793, G replaced by A.
Protein change: p.Trp931Ter; replaces tryptophan 931 with a stop codon.
Molecular consequence: nonsense.
Genome position (GRCh38, 1-based): chr20:49,255,819, C>T on the plus strand (G>A on the coding strand, the complement: ZNFX1 is on the minus strand). VCF-style: chr20-49255819-C-T. GRCh37 (hg19) VCF-style: chr20-47872356-C-T.
Other names: short protein forms W931*.
Identifiers: ClinVar variation 1701423 (VCV001701423.31), dbSNP rs2146732210, ClinGen allele CA409348244.